The following is an entry in ClinVar:

ClinVar aggregate classification (germline): Likely pathogenic. Review status: criteria provided, multiple submitters, no conflicts (2 of 4 stars). 2 submissions from 2 submitters: Likely pathogenic (2). Last evaluated 2023-03-06.

Conditions:
Congenital dyserythropoietic anemia, type II (CDAN2). Also called: DYSERYTHROPOIETIC ANEMIA, HEMPAS TYPE. Identifiers: Orphanet 98873, MedGen C1306589, MONDO:0009134, OMIM 224100.
Cowden syndrome 7 (CWS7). Identifiers: Orphanet 201, MedGen C4225179, MONDO:0014802, OMIM 616858.
SEC23B-related disorder. Also called: SEC23B-related disorders; SEC23B-related condition.

gnomAD v4.1: 6 of 1,611,060 alleles (0.00037%); highest among the groups gnomAD compares: Non-Finnish European, 0.00051%; no homozygotes.

Submissions (2):

Labcorp Genetics (formerly Invitae), Labcorp
Classification: Likely pathogenic for Congenital dyserythropoietic anemia, type II; Cowden syndrome 7. Last evaluated: 2023-03-06. Review status: criteria provided, single submitter. Criteria: Invitae Variant Classification Sherloc (09022015). Collection method: clinical testing. Allele origin: germline.
Comment: This sequence change affects a donor splice site in intron 11 of the SEC23B gene. It is expected to disrupt RNA splicing. Variants that disrupt the donor or acceptor splice site typically lead to a loss of protein function (PMID: 16199547), and loss-of-function variants in SEC23B are known to be pathogenic (PMID: 19561605, 25044164). This variant is not present in population databases (gnomAD no frequency). This variant has not been reported in the literature in individuals affected with SEC23B-related conditions. Algorithms developed to predict the effect of sequence changes on RNA splicing suggest that this variant may disrupt the consensus splice site. In summary, the currently available evidence indicates that the variant is pathogenic, but additional data are needed to prove that conclusively. Therefore, this variant has been classified as Likely Pathogenic.

Blueprint Genetics
Classification: Likely pathogenic for SEC23B-related disorders. Last evaluated: 2020-12-10. Review status: criteria provided, single submitter. Criteria: ACMG Guidelines, 2015. Collection method: clinical testing. Allele origin: germline. Affected: yes. Observed: 1 variant allele.

Literature cited by the submitters: PubMed 16199547 (cited by Labcorp Genetics (formerly Invitae), Labcorp); PubMed 19561605 (cited by Labcorp Genetics (formerly Invitae), Labcorp); PubMed 25044164 (cited by Labcorp Genetics (formerly Invitae), Labcorp).

NM_006363.6(SEC23B):c.1314+1G>A

Gene: SEC23B (SEC23 homolog B, COPII component; plus strand). Cytogenetic location: 20p11.23.
Variant type: single nucleotide variant.
Coding change: c.1314+1G>A on transcript NM_006363.6 (MANE Select); the canonical splice donor site of the intron after coding-DNA position 1314, G replaced by A.
Molecular consequence: splice donor variant.
Genome position (GRCh38, 1-based): chr20:18,532,745, G>A. VCF-style: chr20-18532745-G-A. GRCh37 (hg19) VCF-style: chr20-18513389-G-A.
Other names: c.1314+1G>A (NM_032986.5, NM_001172745.3, NM_032985.6); c.1260+1G>A (NM_001172746.3).
Identifiers: ClinVar variation 2944994 (VCV002944994.4), dbSNP rs2517485892, ClinGen allele CA408362930.
Genomic context (GRCh38, chr20:18,532,745, plus strand): 5'-GCAGGAGCCATTGGTCCATGCGTATCTCTGAATGTGAAAGGACCGTGTGTGTCAGAAAAT[G>A]TAAGGAAAACAACTCCATCACCCTCACCTCCTGCCCCGGATTTAACCCGTCAGAAGTGTC-3'